The following is an entry in ClinVar:

NM_006059.4(LAMC3):c.2042G>A (p.Gly681Asp)

Gene: LAMC3 (laminin subunit gamma 3; plus strand). Cytogenetic location: 9q34.12.
Variant type: single nucleotide variant.
Coding change: c.2042G>A on transcript NM_006059.4 (MANE Select); coding-DNA position 2042, G replaced by A.
Protein change: p.Gly681Asp; replaces glycine 681 with aspartic acid.
Molecular consequence: missense variant.
Genome position (GRCh38, 1-based): chr9:131,057,031, G>A. VCF-style: chr9-131057031-G-A. GRCh37 (hg19) VCF-style: chr9-133932418-G-A.
Other names: short protein forms G681D.
Identifiers: ClinVar variation 2191436 (VCV002191436.1), dbSNP rs1040492610, ClinGen allele CA200708650.

ClinVar aggregate classification (germline): Uncertain significance (1 of 4 stars; one submission).

Allele frequency attached by ClinVar (database versions not stated): gnomAD exomes below 0.00001; TOPMed 0.00004.

Submission:

Labcorp Genetics (formerly Invitae), Labcorp
Classification: Uncertain significance. Last evaluated: 2022-05-12. Review status: criteria provided, single submitter. Criteria: Invitae Variant Classification Sherloc (09022015). Collection method: clinical testing. Allele origin: germline.
Comment: This sequence change replaces glycine, which is neutral and non-polar, with aspartic acid, which is acidic and polar, at codon 681 of the LAMC3 protein (p.Gly681Asp). This variant is present in population databases (no rsID available, gnomAD 0.007%). This variant has not been reported in the literature in individuals affected with LAMC3-related conditions. Algorithms developed to predict the effect of missense changes on protein structure and function (SIFT, PolyPhen-2, Align-GVGD) all suggest that this variant is likely to be disruptive. In summary, the available evidence is currently insufficient to determine the role of this variant in disease. Therefore, it has been classified as a Variant of Uncertain Significance.